The following is an entry in ClinVar:

NM_000080.4(CHRNE):c.293dup (p.Arg99fs)

Genes: C17orf107 (chromosome 17 open reading frame 107; plus strand), CHRNE (cholinergic receptor nicotinic epsilon subunit; minus strand). Cytogenetic location: 17p13.2.
Variant type: Duplication.
Coding change: c.293dup on transcript NM_000080.4 (MANE Select); coding-DNA position 293, one base duplicated (T; older notation c.293dupT).
Protein change: p.Arg99fs; shifts the reading frame from arginine 99.
Molecular consequence: frameshift variant. On other transcripts: 3 prime UTR variant (1).
Genome position (GRCh38, 1-based): chr17:4,902,268, A duplicated on the plus strand (T on the coding strand, the reverse complement: CHRNE is on the minus strand). VCF-style (leftmost placement, unchanged base first): chr17-4902267-C-CA. GRCh37 (hg19) VCF-style: chr17-4805562-C-CA.
Other names: c.*1735dup (NM_001145536.2); short protein forms R99fs.
Identifiers: ClinVar variation 2131088 (VCV002131088.4), dbSNP rs2507561549, ClinGen allele CA2580093578.
Genomic context (GRCh38, chr17:4,902,267, plus strand): 5'-CGGTTCTCACTTGTTTTCCAGCACAATCTCTGGCAGCCACACGAGTTCTGAAGGGACTCG[C>CA]AGGGTTTCTATACCCCCAAAGTCGTCCTTGCTGTAGTTGAGTCGGTAATCCTGCCAATCC-3'

ClinVar aggregate classification (germline): Pathogenic (1 of 4 stars; one submission).

Conditions:
Congenital myasthenic syndrome 4A. Also called: CONGENITAL MYASTHENIC SYNDROME TYPE Ia1; Myasthenic syndrome, congenital, 4a, slow-channel; MYASTHENIC SYNDROME, CONGENITAL, 4A, SLOW-CHANNEL, AUTOSOMAL RECESSIVE. Identifiers: Orphanet 590, MedGen C4225413, MONDO:0011600, OMIM 605809.

Submission:

Labcorp Genetics (formerly Invitae), Labcorp
Classification: Pathogenic for Congenital myasthenic syndrome 4A. Last evaluated: 2022-04-28. Review status: criteria provided, single submitter. Criteria: Invitae Variant Classification Sherloc (09022015). Collection method: clinical testing. Allele origin: germline.
Comment: This sequence change creates a premature translational stop signal (p.Arg99Alafs*19) in the CHRNE gene. It is expected to result in an absent or disrupted protein product. Loss-of-function variants in CHRNE are known to be pathogenic (PMID: 22678886). This variant is not present in population databases (gnomAD no frequency). This variant has not been reported in the literature in individuals affected with CHRNE-related conditions. For these reasons, this variant has been classified as Pathogenic.

Literature cited by the submitters: PubMed 22678886.